The following is an entry in ClinVar:

NM_000719.7(CACNA1C):c.5895C>T (p.Pro1965=)

Genes: CACNA1C (calcium voltage-gated channel subunit alpha1 C; plus strand), CACNA1C-AS1 (CACNA1C antisense RNA 1; minus strand). Cytogenetic location: 12p13.33.
Variant type: single nucleotide variant.
Coding change: c.5895C>T on transcript NM_000719.7 (MANE Select); coding-DNA position 5895, C replaced by T.
Protein change: p.Pro1965=; no amino-acid change (proline 1965 retained).
Molecular consequence: synonymous variant.
Genome position (GRCh38, 1-based): chr12:2,688,557, C>T. VCF-style: chr12-2688557-C-T. GRCh37 (hg19) VCF-style: chr12-2797723-C-T.
Other names: c.6039C>T, p.Pro2013= (NM_001129827.2); c.6018C>T, p.Pro2006= (NM_001129829.2); c.6000C>T, p.Pro2000= (NM_001129830.3, NM_001167624.3); c.5979C>T, p.Pro1993= (NM_001129831.2); c.5955C>T, p.Pro1985= (NM_001129832.2); c.5952C>T, p.Pro1984= (NM_001129833.2, NM_001129834.2, NM_001129835.2); c.5946C>T, p.Pro1982= (NM_001129836.2); c.5919C>T, p.Pro1973= (NM_001129837.2, NM_001129838.2); and 6 more.
Identifiers: ClinVar variation 215772 (VCV000215772.20), dbSNP rs200227029, ClinGen allele CA339516.

ClinVar aggregate classification (germline): Likely benign. Review status: criteria provided, multiple submitters, no conflicts (2 of 4 stars). 3 submissions from 3 submitters: Likely benign (3). Last evaluated 2025-07-01.

Conditions:
Long QT syndrome (LQTS). Identifiers: MedGen C0023976, MeSH D008133, MONDO:0002442. Disease mechanism: loss of function. Inheritance: Various modes of inheritance.

Allele frequency attached by ClinVar (database versions not stated): gnomAD exomes 0.00001 and 0.00003; ExAC 0.00003.
gnomAD v4.1: 19 of 1,613,990 alleles (0.0012%); highest among the groups gnomAD compares: Admixed American, 0.012%; no homozygotes.

Submissions (3):

CeGaT Center for Human Genetics Tuebingen
Classification: Likely benign. Last evaluated: 2025-07-01. Review status: criteria provided, single submitter. Criteria: CeGaT Center For Human Genetics Tuebingen Variant Classification Criteria Version 2. Collection method: clinical testing. Allele origin: germline. Affected: yes. Observed: 1 variant allele.
Comment: CACNA1C: BP4, BP7

Labcorp Genetics (formerly Invitae), Labcorp
Classification: Likely benign for Long QT syndrome. Last evaluated: 2025-01-19. Review status: criteria provided, single submitter. Criteria: Invitae Variant Classification Sherloc (09022015). Collection method: clinical testing. Allele origin: germline.

Breakthrough Genomics
Classification: Likely benign. Review status: criteria provided, single submitter. Criteria: ACMG Guidelines, 2015. Collection method: not provided. Allele origin: germline. Inheritance: Autosomal dominant inheritance. Affected: yes.